The following is an entry in ClinVar:

ClinVar aggregate classification (germline): Uncertain significance (1 of 4 stars; one submission).

Submission:

Women's Health and Genetics/Laboratory Corporation of America, LabCorp
Classification: Uncertain significance. Last evaluated: 2025-07-17. Review status: criteria provided, single submitter. Criteria: LabCorp Variant Classification Summary - May 2015. Collection method: clinical testing. Allele origin: germline.
Comment: Variant summary: GALC c.328G>C (p.Asp110His) results in a non-conservative amino acid change in the encoded protein sequence. Algorithms developed to predict the effect of missense changes on protein structure and function all suggest that this variant is likely to be disruptive. Several computational tools predict a significant impact on normal splicing: Three predict the variant weakens a 5' donor site. However, these predictions have yet to be confirmed by functional studies. The variant was absent in 249420 control chromosomes. The available data on variant occurrences in the general population are insufficient to allow any conclusion about variant significance. To our knowledge, no occurrence of c.328G>C in individuals affected with Krabbe Disease and no experimental evidence demonstrating its impact on protein function have been reported. No submitters have cited clinical-significance assessments for this variant to ClinVar. Based on the evidence outlined above, the variant was classified as uncertain significance.

NM_000153.4(GALC):c.328G>C (p.Asp110His)

Gene: GALC (galactosylceramidase; minus strand). Cytogenetic location: 14q31.3.
Variant type: single nucleotide variant.
Coding change: c.328G>C on transcript NM_000153.4 (MANE Select); coding-DNA position 328, G replaced by C.
Protein change: p.Asp110His; replaces aspartic acid 110 with histidine.
Molecular consequence: missense variant. On other transcripts: 5 prime UTR variant (4), non-coding transcript variant (1).
Genome position (GRCh38, 1-based): chr14:87,988,144, C>G on the plus strand (G>C on the coding strand, the complement: GALC is on the minus strand). VCF-style: chr14-87988144-C-G. GRCh37 (hg19) VCF-style: chr14-88454488-C-G.
Other names: c.259G>C, p.Asp87His (NM_001201401.2); c.250G>C, p.Asp84His (NM_001201402.2); c.160G>C, p.Asp54His (NM_001424071.1, NM_001424072.1, NM_001424073.1); c.-21G>C (NM_001424074.1); c.-109G>C (NM_001424075.1); c.-340G>C (NM_001424076.1, NM_001424077.1); short protein forms D84H, D87H, D110H, D54H.
Identifiers: ClinVar variation 4525827 (VCV004525827.1).